The following is an entry in ClinVar:

NM_004260.4(RECQL4):c.1501G>A (p.Val501Met)

Gene: RECQL4 (RecQ like helicase 4; minus strand). Cytogenetic location: 8q24.3.
Variant type: single nucleotide variant.
Coding change: c.1501G>A on transcript NM_004260.4 (MANE Select); coding-DNA position 1501, G replaced by A.
Protein change: p.Val501Met; replaces valine 501 with methionine.
Molecular consequence: missense variant.
Genome position (GRCh38, 1-based): chr8:144,515,055, C>T on the plus strand (G>A on the coding strand, the complement: RECQL4 is on the minus strand). VCF-style: chr8-144515055-C-T. GRCh37 (hg19) VCF-style: chr8-145740439-C-T.
Other names: c.1501G>A (NM_004260.3); short protein forms V501M.
Identifiers: ClinVar variation 1514373 (VCV001514373.7), dbSNP rs1016151338, ClinGen allele CA187687094.
Genomic context (GRCh38, chr8:144,515,055, plus strand): 5'-GGCTGTAGAGCAGCGCTGGGAGCTGGTAGCACAGGGACTTGCCGGCACCTGTAGGCAGCA[C>T]CAGCAGCGTGGAGATGCCTGGATGGGGCGGGAGTCAGCAGCAGGGTTCTGCAGCCTGGCC-3'
Protein context (NP_004251.4, residues 491-511): RILSGISTLL[Val501Met]LPTGAGKSLC

ClinVar aggregate classification (germline): Uncertain significance. Review status: criteria provided, multiple submitters, no conflicts (2 of 4 stars). 2 submissions from 2 submitters: Uncertain significance (2). Last evaluated 2026-06-02.

Conditions:
Baller-Gerold syndrome (BGS). Also called: CRANIOSYNOSTOSIS WITH RADIAL DEFECTS. Identifiers: Orphanet 1225, MedGen C0265308, MONDO:0009039, OMIM 218600.
Inborn genetic diseases. Identifiers: MedGen C0950123, MeSH D030342.

Allele frequency attached by ClinVar (database versions not stated): gnomAD 0.00001; TOPMed 0.00001.
gnomAD v4.1: 2 of 1,608,544 alleles (0.00012%); highest among the groups gnomAD compares: African/African-American, 0.0013%; no homozygotes.

Submissions (2):

Ambry Genetics
Classification: Uncertain significance for Inborn genetic diseases. Last evaluated: 2026-06-02. Review status: criteria provided, single submitter. Criteria: Ambry Variant Classification Scheme 2023. Collection method: clinical testing. Allele origin: germline.
Comment: The p.V501M variant (also known as c.1501G>A), located in coding exon 9 of the RECQL4 gene, results from a G to A substitution at nucleotide position 1501. The valine at codon 501 is replaced by methionine, an amino acid with highly similar properties. This amino acid position is conserved. In addition, the in silico prediction for this alteration is inconclusive. Based on the available evidence, the clinical significance of this variant remains unclear.

Labcorp Genetics (formerly Invitae), Labcorp
Classification: Uncertain significance for Baller-Gerold syndrome. Last evaluated: 2021-11-24. Review status: criteria provided, single submitter. Criteria: Invitae Variant Classification Sherloc (09022015). Collection method: clinical testing. Allele origin: germline.
Comment: This sequence change replaces valine, which is neutral and non-polar, with methionine, which is neutral and non-polar, at codon 501 of the RECQL4 protein (p.Val501Met). This variant is present in population databases (no rsID available, gnomAD 0.01%). In summary, the available evidence is currently insufficient to determine the role of this variant in disease. Therefore, it has been classified as a Variant of Uncertain Significance. Experimental studies and prediction algorithms are not available or were not evaluated, and the functional significance of this variant is currently unknown. This variant has not been reported in the literature in individuals affected with RECQL4-related conditions.